The following is an entry in ClinVar:

NM_001963.6(EGF):c.1003C>T (p.Gln335Ter)

Gene: EGF (epidermal growth factor; plus strand). Cytogenetic location: 4q25.
Variant type: single nucleotide variant.
Coding change: c.1003C>T on transcript NM_001963.6 (MANE Select); coding-DNA position 1003, C replaced by T.
Protein change: p.Gln335Ter; replaces glutamine 335 with a stop codon.
Molecular consequence: nonsense. On other transcripts: intron variant (2).
Genome position (GRCh38, 1-based): chr4:109,959,374, C>T. VCF-style: chr4-109959374-C-T. GRCh37 (hg19) VCF-style: chr4-110880530-C-T.
Other names: c.1003C>T, p.Gln335Ter (NM_001178130.3); c.941-1493C>T (NM_001178131.3, NM_001357021.2); short protein forms Q335*.
Identifiers: ClinVar variation 2631867 (VCV002631867.1), dbSNP rs776112801, ClinGen allele CA3043545.

ClinVar aggregate classification (germline): Uncertain significance (1 of 4 stars; one submission).

Conditions:
EGF-related disorder. Also called: EGF-related condition.

Allele frequency attached by ClinVar (database versions not stated): ExAC 0.00001; gnomAD 0.00001; gnomAD exomes 0.00001.
gnomAD v4.1: 17 of 1,613,928 alleles (0.0011%); highest among the groups gnomAD compares: South Asian, 0.016%; no homozygotes.

Submission:

PreventionGenetics, part of Exact Sciences
Classification: Uncertain significance for EGF-related condition. Last evaluated: 2023-07-07. Review status: criteria provided, single submitter. Criteria: ACMG Guidelines, 2015. Collection method: clinical testing. Allele origin: germline.
Comment: The EGF c.1003C>T variant is predicted to result in premature protein termination (p.Gln335*). To our knowledge, this variant has not been reported in the literature. This variant is reported in 0.0065% of alleles in individuals of South Asian descent in gnomAD. Loss-of-function has not been established as a disease mechanism for this gene, and therefore the clinical significance of this variant is currently uncertain due to the absence of conclusive functional and genetic evidence.